The following is an entry in ClinVar:

ClinVar aggregate classification (germline): Uncertain significance. Review status: criteria provided, multiple submitters, no conflicts (2 of 4 stars). 2 submissions from 2 submitters: Uncertain significance (2). Last evaluated 2026-08-18.

Conditions:
Inborn genetic diseases. Identifiers: MedGen C0950123, MeSH D030342.

gnomAD v4.1: 2 of 1,614,168 alleles (0.00012%); highest among the groups gnomAD compares: Admixed American, 0.0017%; no homozygotes.

Submissions (2):

Ambry Genetics
Classification: Uncertain significance for Inborn genetic diseases. Last evaluated: 2026-08-18. Review status: criteria provided, single submitter. Criteria: Ambry Variant Classification Scheme 2023. Collection method: clinical testing. Allele origin: germline.
Comment: The c.1946C>T (p.A649V) alteration is located in exon 11 (coding exon 11) of the TRIO gene. This alteration results from a C to T substitution at nucleotide position 1946, causing the alanine (A) at amino acid position 649 to be replaced by a valine (V). Based on data from gnomAD, the T allele has an overall frequency of <0.001% (1/251382) total alleles studied. The highest observed frequency was 0.003% (1/34592) of Latino alleles. Based on insufficient or conflicting evidence, the clinical significance of this alteration remains unclear.

Labcorp Genetics (formerly Invitae), Labcorp
Classification: Uncertain significance. Last evaluated: 2025-06-20. Review status: criteria provided, single submitter. Criteria: Invitae Variant Classification Sherloc (09022015). Collection method: clinical testing. Allele origin: germline.
Comment: This sequence change replaces alanine, which is neutral and non-polar, with valine, which is neutral and non-polar, at codon 649 of the TRIO protein (p.Ala649Val). This variant is present in population databases (rs756104781, gnomAD 0.003%). This variant has not been reported in the literature in individuals affected with TRIO-related conditions. Invitae Evidence Modeling of protein sequence and biophysical properties (such as structural, functional, and spatial information, amino acid conservation, physicochemical variation, residue mobility, and thermodynamic stability) has been performed for this missense variant. However, the output from this modeling did not meet the statistical confidence thresholds required to predict the impact of this variant on TRIO protein function. In summary, the available evidence is currently insufficient to determine the role of this variant in disease. Therefore, it has been classified as a Variant of Uncertain Significance.

NM_007118.4(TRIO):c.1946C>T (p.Ala649Val)

Gene: TRIO (trio Rho guanine nucleotide exchange factor; plus strand). Cytogenetic location: 5p15.2.
Variant type: single nucleotide variant.
Coding change: c.1946C>T on transcript NM_007118.4 (MANE Select); coding-DNA position 1946, C replaced by T.
Protein change: p.Ala649Val; replaces alanine 649 with valine.
Molecular consequence: missense variant. On other transcripts: non-coding transcript variant (1).
Genome position (GRCh38, 1-based): chr5:14,336,627, C>T. VCF-style: chr5-14336627-C-T. GRCh37 (hg19) VCF-style: chr5-14336736-C-T.
Other names: c.1946C>T (NM_007118.2); short protein forms A649V.
Identifiers: ClinVar variation 4745324 (VCV004745324.2).